The following is an entry in ClinVar:

NM_018489.3(ASH1L):c.4730T>G (p.Ile1577Ser)

Gene: ASH1L (ASH1 like histone lysine methyltransferase; minus strand). Cytogenetic location: 1q22.
Variant type: single nucleotide variant.
Coding change: c.4730T>G on transcript NM_018489.3 (MANE Select); coding-DNA position 4730, T replaced by G.
Protein change: p.Ile1577Ser; replaces isoleucine 1577 with serine.
Molecular consequence: missense variant.
Genome position (GRCh38, 1-based): chr1:155,478,140, A>C on the plus strand (T>G on the coding strand, the complement: ASH1L is on the minus strand). VCF-style: chr1-155478140-A-C. GRCh37 (hg19) VCF-style: chr1-155447931-A-C.
Other names: c.4730T>G, p.Ile1577Ser (NM_001366177.2); short protein forms I1577S.
Identifiers: ClinVar variation 3390543 (VCV003390543.1).

ClinVar aggregate classification (germline): Uncertain significance (1 of 4 stars; one submission).

Submission:

GeneDx
Classification: Uncertain significance. Last evaluated: 2024-06-14. Review status: criteria provided, single submitter. Criteria: GeneDx Variant Classification Process June 2021. Collection method: clinical testing. Allele origin: germline. Affected: yes.
Comment: Not observed at significant frequency in large population cohorts (gnomAD); In silico analysis indicates that this missense variant does not alter protein structure/function; Has not been previously published as pathogenic or benign to our knowledge